The following is an entry in ClinVar:

NM_000498.3(CYP11B2):c.395+1G>T

Genes: CYP11B2 (cytochrome P450 family 11 subfamily B member 2; minus strand), LOC106799834 (CYP11B2 recombination region; plus strand). Cytogenetic location: 8q24.3.
Variant type: single nucleotide variant.
Coding change: c.395+1G>T on transcript NM_000498.3 (MANE Select); the canonical splice donor site of the intron after coding-DNA position 395, G replaced by T.
Molecular consequence: splice donor variant.
Genome position (GRCh38, 1-based): chr8:142,917,058, C>A on the plus strand (G>T on the coding strand, the complement: CYP11B2 is on the minus strand). VCF-style: chr8-142917058-C-A. GRCh37 (hg19) VCF-style: chr8-143998474-C-A.
Identifiers: ClinVar variation 1066462 (VCV001066462.7), dbSNP rs774948236, ClinGen allele CA4906271.

ClinVar aggregate classification (germline): Likely pathogenic (1 of 4 stars; one submission).

Submission:

Labcorp Genetics (formerly Invitae), Labcorp
Classification: Likely pathogenic. Last evaluated: 2023-06-11. Review status: criteria provided, single submitter. Criteria: Invitae Variant Classification Sherloc (09022015). Collection method: clinical testing. Allele origin: germline.
Comment: In summary, the currently available evidence indicates that the variant is pathogenic, but additional data are needed to prove that conclusively. Therefore, this variant has been classified as Likely Pathogenic. Algorithms developed to predict the effect of sequence changes on RNA splicing suggest that this variant may disrupt the consensus splice site. ClinVar contains an entry for this variant (Variation ID: 1066462). This variant has not been reported in the literature in individuals affected with CYP11B2-related conditions. This variant is present in population databases (rs774948236, gnomAD 0.0009%). This sequence change affects a donor splice site in intron 2 of the CYP11B2 gene. It is expected to disrupt RNA splicing. Variants that disrupt the donor or acceptor splice site typically lead to a loss of protein function (PMID: 16199547), and loss-of-function variants in CYP11B2 are known to be pathogenic (PMID: 20494601, 22801770, 26936515).

Literature cited by the submitters: PubMed 16199547; PubMed 20494601; PubMed 22801770; PubMed 26936515.